The following continues an entry in ClinVar:

NM_004415.4(DSP):c.4372C>G (p.Arg1458Gly)

Gene: DSP. ClinVar aggregate classification (germline): Conflicting classifications of pathogenicity. Uncertain significance (1); Benign (2); Likely benign (17).

Submissions 17 to 28 of 28:

Center for Advanced Laboratory Medicine, UC San Diego Health, University of California San Diego
Classification: Likely benign for Cardiomyopathy. Last evaluated: 2017-11-01. Review status: criteria provided, single submitter. Criteria: ACMG Guidelines, 2015. Collection method: clinical testing. Allele origin: germline. Affected: yes. Observed: 1 variant allele.

Laboratory for Molecular Medicine, Mass General Brigham Personalized Medicine
Classification: Likely benign. Last evaluated: 2017-04-07. Review status: criteria provided, single submitter. Criteria: LMM Criteria. Collection method: clinical testing. Allele origin: germline. Observed: 3 variant alleles.
Comment: p.Arg1458Gly in exon 23 of DSP: This variant is not expected to have clinical si gnificance because it has been identified in 0.36% (41/11544) of Latino and 0.24 % (159/66436) of European chromosomes by the Exome Aggregation Consortium (ExAC; dbSNP rs28763965). Computational prediction too ls and conservation analysis do not provide strong support for or against an imp act to the protein.

Stanford Center for Inherited Cardiovascular Disease, Stanford University
Classification: Uncertain significance. Last evaluated: 2014-12-02. Review status: criteria provided, single submitter. Criteria: ACMG Guidelines, 2015. Collection method: provider interpretation. Allele origin: germline.

Biesecker Lab/Clinical Genomics Section, National Institutes of Health
Classification: Likely benign. Last evaluated: 2013-06-24. Review status: criteria provided, single submitter. Criteria: Ng et al. (Circ Cardiovasc Genet. 2013). Collection method: research. Allele origin: unknown. Observed: 2 variant alleles. Study: ClinSeq.
Comment: The study set was not selected for affection status in relation to any cancer. Pathogenicity categories were based on literature curation. See Pubmed ID:23861362 for details.

Medical sequencing

PreventionGenetics, part of Exact Sciences
Classification: Likely benign for DSP-related condition. Last evaluated: 2023-09-13. Review status: no assertion criteria provided. Collection method: clinical testing. Allele origin: germline. Not counted in ClinVar's aggregate classification.
Comment: This variant is classified as likely benign based on ACMG/AMP sequence variant interpretation guidelines (Richards et al. 2015 PMID: 25741868, with internal and published modifications).

Clinical Genetics DNA and cytogenetics Diagnostics Lab, Erasmus MC, Erasmus Medical Center
Classification: Likely benign. Review status: no assertion criteria provided. Collection method: clinical testing. Allele origin: germline. Affected: yes. Study: VKGL Data-share Consensus. Not counted in ClinVar's aggregate classification.

Clinical Genetics, Academic Medical Center
Classification: Benign. Review status: no assertion criteria provided. Collection method: clinical testing. Allele origin: germline. Affected: yes. Study: VKGL Data-share Consensus. Not counted in ClinVar's aggregate classification.

Diagnostic Laboratory, Department of Genetics, University Medical Center Groningen
Classification: Likely benign. Review status: no assertion criteria provided. Collection method: clinical testing. Allele origin: germline. Affected: yes. Study: VKGL Data-share Consensus. Not counted in ClinVar's aggregate classification.

Genome Diagnostics Laboratory, University Medical Center Utrecht
Classification: Likely benign. Review status: no assertion criteria provided. Collection method: clinical testing. Allele origin: germline. Affected: yes. Study: VKGL Data-share Consensus. Not counted in ClinVar's aggregate classification.

Joint Genome Diagnostic Labs from Nijmegen and Maastricht, Radboudumc and MUMC+
Classification: Benign. Review status: no assertion criteria provided. Collection method: clinical testing. Allele origin: germline. Affected: yes. Study: VKGL Data-share Consensus. Not counted in ClinVar's aggregate classification.

Genomic Diagnostic Laboratory, Division of Genomic Diagnostics, Children's Hospital of Philadelphia
Classification: Uncertain significance for Arrhythmogenic right ventricular cardiomyopathy. Last evaluated: 2015-10-19. Review status: flagged submission. Criteria: DGD Variant Analysis Guidelines. Collection method: clinical testing. Allele origin: unknown. Not counted in ClinVar's aggregate classification.
ClinVar note: Reason: Outlier claim with insufficient supporting evidence

CSER _CC_NCGL, University of Washington
Classification: Uncertain significance for Arrhythmogenic right ventricular dysplasia/cardiomyopathy. Last evaluated: 2014-06-01. Review status: flagged submission. Collection method: research. Allele origin: germline. Inheritance: Autosomal dominant inheritance. Study: ESP 6500 variant annotation. Not counted in ClinVar's aggregate classification.
Comment: Variants classified for the Actionable exomic incidental findings in 6503 participants: challenges of variant classification manuscript
ClinVar note: Reason: Older claim that does not account for recent evidence

Literature cited by the submitters: PubMed 21636032 (cited by 4 submitters); PubMed 21606396 (cited by 4 submitters); PubMed 23299917 (cited by Women's Health and Genetics/Laboratory Corporation of America, LabCorp and Laboratory for Molecular Medicine, Mass General Brigham Personalized Medicine); PubMed 24503780 (cited by Women's Health and Genetics/Laboratory Corporation of America, LabCorp and Ambry Genetics); PubMed 30775854 (cited by Women's Health and Genetics/Laboratory Corporation of America, LabCorp); PubMed 23861362 (cited by Ambry Genetics and Laboratory for Molecular Medicine, Mass General Brigham Personalized Medicine); PubMed 24055113 (cited by Ambry Genetics and Laboratory for Molecular Medicine, Mass General Brigham Personalized Medicine); PubMed 25637381 (cited by Ambry Genetics and Laboratory for Molecular Medicine, Mass General Brigham Personalized Medicine); PubMed 25661095 (cited by Ambry Genetics).